The following is an entry in ClinVar:

NM_015335.5(MED13L):c.3034del (p.Tyr1012fs)

Gene: MED13L (mediator complex subunit 13L; minus strand). Cytogenetic location: 12q24.21.
Variant type: Deletion.
Coding change: c.3034del on transcript NM_015335.5 (MANE Select); coding-DNA position 3034, one base deleted (T; older notation c.3034delT).
Protein change: p.Tyr1012fs; shifts the reading frame from tyrosine 1012.
Molecular consequence: frameshift variant.
Genome position (GRCh38, 1-based): chr12:115,991,920, A deleted on the plus strand (T on the coding strand, the reverse complement: MED13L is on the minus strand). VCF-style (leftmost placement, unchanged base first): chr12-115991919-TA-T. GRCh37 (hg19) VCF-style: chr12-116429724-TA-T.
Other names: short protein forms Y1012fs.
Identifiers: ClinVar variation 1709184 (VCV001709184.1), dbSNP rs2499858354, ClinGen allele CA2580085860.

ClinVar aggregate classification (germline): Likely pathogenic (1 of 4 stars; one submission).

Conditions:
Cardiac anomalies - developmental delay - facial dysmorphism syndrome (MRFACD). Also called: Impaired intellectual development and distinctive facial features with or without cardiac defects; MED13L Syndrome. Identifiers: Orphanet 369891, MedGen C5192431, MONDO:0014773, OMIM 616789.

Submission:

MGZ Medical Genetics Center
Classification: Likely pathogenic for Cardiac anomalies - developmental delay - facial dysmorphism syndrome. Last evaluated: 2022-03-04. Review status: criteria provided, single submitter. Criteria: ACMG Guidelines, 2015. Collection method: clinical testing. Allele origin: germline. Affected: yes. Observed: 1 variant allele.
Comment: ACMG criteria applied: PVS1, PM2_SUP